The following is an entry in ClinVar:

ClinVar aggregate classification (germline): Likely benign. Review status: criteria provided, multiple submitters, no conflicts (2 of 4 stars). 2 submissions from 2 submitters: Likely benign (2). Last evaluated 2026-01-04.

Conditions:
TUBGCP6-related disorder. Also called: TUBGCP6-related condition.

Allele frequency attached by ClinVar (database versions not stated): gnomAD 0.00001; TOPMed 0.00001; gnomAD exomes 0.00002 and 0.00007; ExAC 0.00015.

Submissions (2):

Labcorp Genetics (formerly Invitae), Labcorp
Classification: Likely benign. Last evaluated: 2026-01-04. Review status: criteria provided, single submitter. Criteria: Invitae Variant Classification Sherloc (09022015). Collection method: clinical testing. Allele origin: germline.

PreventionGenetics, part of Exact Sciences
Classification: Likely benign for TUBGCP6-related condition. Last evaluated: 2025-01-17. Review status: criteria provided, single submitter. Criteria: ACMG Guidelines, 2015. Collection method: clinical testing. Allele origin: germline.
Comment: This variant is classified as likely benign based on ACMG/AMP sequence variant interpretation guidelines (Richards et al. 2015 PMID: 25741868, with internal and published modifications).

NM_020461.4(TUBGCP6):c.1492-10C>T

Gene: TUBGCP6 (tubulin gamma complex component 6; minus strand). Cytogenetic location: 22q13.33.
Variant type: single nucleotide variant.
Coding change: c.1492-10C>T on transcript NM_020461.4 (MANE Select); 10 bases into the intron before coding-DNA position 1492, C replaced by T.
Molecular consequence: intron variant.
Genome position (GRCh38, 1-based): chr22:50,226,852, G>A on the plus strand (C>T on the coding strand, the complement: TUBGCP6 is on the minus strand). VCF-style: chr22-50226852-G-A. GRCh37 (hg19) VCF-style: chr22-50665281-G-A.
Identifiers: ClinVar variation 731481 (VCV000731481.9), dbSNP rs773634568, ClinGen allele CA10308637.
Genomic context (GRCh38, chr22:50,226,852, plus strand): 5'-GCTGCAGTTGTGCAGAGCCTCCTGGTAGAGGTAGGACAGCAGCTTCACGCCCTGCAGACC[G>A]CAAAGGGGGTGGGGGGCAGCTCAGCGCACCCAGCGCTGGGAGTGAGGCGCAGCCCTGCCG-3'